The following is an entry in ClinVar:

ClinVar aggregate classification (germline): Conflicting classifications of pathogenicity. Review status: criteria provided, conflicting classifications (1 of 4 stars). 3 submissions from 3 submitters: Uncertain significance (2); Likely benign (1). Last evaluated 2024-10-09.

Conditions:
Primary ciliary dyskinesia. Also called: Ciliary dyskinesia. Identifiers: Orphanet 244, MedGen C0008780, MONDO:0016575, HP:0012265.

Submissions (3):

Blueprint Genetics
Classification: Likely benign. Last evaluated: 2024-10-09. Review status: criteria provided, single submitter. Criteria: ACMG Guidelines, 2015. Collection method: clinical testing. Allele origin: germline.

Labcorp Genetics (formerly Invitae), Labcorp
Classification: Uncertain significance for Primary ciliary dyskinesia. Last evaluated: 2024-10-08. Review status: criteria provided, single submitter. Criteria: Invitae Variant Classification Sherloc (09022015). Collection method: clinical testing. Allele origin: germline.
Comment: This variant, c.2360_2362del, results in the deletion of 1 amino acid(s) of the RPGR (ORF15) protein (p.Gly787del), but otherwise preserves the integrity of the reading frame. This variant is present in population databases (no rsID available, gnomAD 0.3%). This variant has not been reported in the literature in individuals affected with RPGR (ORF15)-related conditions. ClinVar contains an entry for this variant (Variation ID: 866448). Experimental studies and prediction algorithms are not available or were not evaluated, and the functional significance of this variant is currently unknown. In summary, the available evidence is currently insufficient to determine the role of this variant in disease. Therefore, it has been classified as a Variant of Uncertain Significance.

PreventionGenetics, part of Exact Sciences
Classification: Uncertain significance. Last evaluated: 2019-10-23. Review status: criteria provided, single submitter. Criteria: ACMG Guidelines, 2015. Collection method: clinical testing. Allele origin: germline.

NM_001034853.2(RPGR):c.2360_2362del (p.Gly787del)

Gene: RPGR (retinitis pigmentosa GTPase regulator; minus strand). Cytogenetic location: Xp11.4.
Variant type: Deletion.
Coding change: c.2360_2362del on transcript NM_001034853.2 (MANE Select); coding-DNA positions 2360 to 2362, 3 bases deleted (GAG; older notation c.2360_2362delGAG).
Protein change: p.Gly787del; deletes glycine 787.
Molecular consequence: inframe deletion. On other transcripts: intron variant (8).
Genome position (GRCh38, 1-based): chrX:38,286,637-38,286,639, CTC deleted on the plus strand (GAG on the coding strand, the reverse complement: RPGR is on the minus strand); deleting any 3 consecutive bases within chrX:38,286,637-38,286,641 gives the same sequence; the c. name uses the placement nearest the transcript's 3' end. VCF-style (leftmost placement, unchanged base first): chrX-38286636-TCTC-T. GRCh37 (hg19) VCF-style: chrX-38145889-TCTC-T.
Other names: c.1569+4320_1569+4322del (NM_001367249.1, NM_001367250.1); c.1902+455_1902+457del (NM_001367245.1); c.1386+4320_1386+4322del (NM_001367251.1); c.1719+455_1719+457del (NM_001367246.1); c.1572+4320_1572+4322del (NM_001367247.1); c.1905+455_1905+457del (NM_000328.3); c.1602+4320_1602+4322del (NM_001367248.1); short protein forms G787del.
Identifiers: ClinVar variation 866448 (VCV000866448.8), dbSNP rs1287687440, ClinGen allele CA640957302.